The following is an entry in ClinVar:

NM_002816.5(PSMD12):c.148_149del (p.Leu50fs)

Gene: PSMD12 (proteasome 26S subunit, non-ATPase 12; minus strand). Cytogenetic location: 17q24.2.
Variant type: Microsatellite.
Coding change: c.148_149del on transcript NM_002816.5 (MANE Select); coding-DNA positions 148 to 149, 2 bases deleted (CT; older notation c.148_149delCT).
Protein change: p.Leu50fs; shifts the reading frame from leucine 50.
Molecular consequence: frameshift variant. On other transcripts: 5 prime UTR variant (1), intron variant (1).
Genome position (GRCh38, 1-based): chr17:67,357,538-67,357,539, AG deleted on the plus strand (CT on the coding strand, the reverse complement: PSMD12 is on the minus strand); deleting any 2 consecutive bases within chr17:67,357,538-67,357,546 gives the same sequence; the c. name uses the placement nearest the transcript's 3' end. VCF-style (leftmost placement, unchanged base first): chr17-67357537-CAG-C. GRCh37 (hg19) VCF-style: chr17-65353653-CAG-C.
Other names: c.-36CT[3] (NM_001316341.2); c.109-114CT[3] (NM_174871.4); short protein forms L50fs.
Identifiers: ClinVar variation 807474 (VCV000807474.4), dbSNP rs1598574154, ClinGen allele CA915952220.
Genomic context (GRCh38, chr17:67,357,537, plus strand): 5'-TGAAATTAATGGTAACTGAGCTTTCCCCTGTAAACTACTCACAGTACGAGTCTGCTTTTC[CAG>C]AGAGAGAAGGGTTTCAATGACTTCTTGAAGTCTTCCTTCCTAAAACAAAAGATGAAAATG-3'

ClinVar aggregate classification (germline): Pathogenic. Review status: criteria provided, multiple submitters, no conflicts (2 of 4 stars). 2 submissions from 2 submitters: Pathogenic (2). Last evaluated 2025-02-20.

Conditions:
Stankiewicz-Isidor syndrome (STISS). Identifiers: MedGen C4479599, MONDO:0054591, OMIM 617516.

Submissions (2):

3billion
Classification: Pathogenic for Stankiewicz-Isidor syndrome. Last evaluated: 2025-02-20. Review status: criteria provided, single submitter. Criteria: ACMG Guidelines, 2015. Collection method: clinical testing. Allele origin: germline. Affected: yes.
Comment: The variant is not observed in the gnomAD v4.1.0 dataset. Predicted Consequence/Location: Frameshift: predicted to result in a loss or disruption of normal protein function through nonsense-mediated decay (NMD) or protein truncation. Multiple pathogenic variants are reported downstream of the variant. The variant has been previously reported as de novo in a similarly affected individual (PMID: 34906456). The variant has been reported to be associated with PSMD12-related disorder (ClinVar ID: VCV000807474 /PMID: 34906456). Therefore, this variant is classified as Pathogenic according to the recommendation of ACMG/AMP guideline.

Institute of Human Genetics Munich, TUM University Hospital
Classification: Pathogenic for Stankiewicz-Isidor syndrome. Last evaluated: 2019-06-26. Review status: criteria provided, single submitter. Criteria: Classification criteria August 2017. Collection method: clinical testing. Allele origin: de novo. Inheritance: Autosomal dominant inheritance. Affected: yes. Observed: 1 heterozygote.

Literature cited by the submitters: PubMed 34906456 (cited by 3billion).